The following is an entry in ClinVar:

ClinVar aggregate classification (germline): Uncertain significance. Review status: criteria provided, multiple submitters, no conflicts (2 of 4 stars). 2 submissions from 2 submitters: Uncertain significance (2). Last evaluated 2025-09-15.

Conditions:
TTLL5-related disorder. Also called: TTLL5-related condition.
Inborn genetic diseases. Identifiers: MedGen C0950123, MeSH D030342.

gnomAD v4.1: 22 of 1,613,888 alleles (0.0014%); highest among the groups gnomAD compares: South Asian, 0.0088%; no homozygotes.

Submissions (2):

PreventionGenetics, part of Exact Sciences
Classification: Uncertain significance for TTLL5-related condition. Last evaluated: 2025-09-15. Review status: criteria provided, single submitter. Criteria: ACMG Guidelines, 2015. Collection method: clinical testing. Allele origin: germline.
Comment: The TTLL5 c.331C>T variant is predicted to result in the amino acid substitution p.Arg111Cys. To our knowledge, this variant has not been reported in the literature. This variant is reported in 0.0062% of alleles in individuals of African descent in gnomAD. At this time, the clinical significance of this variant is uncertain due to the absence of conclusive functional and genetic evidence.

Ambry Genetics
Classification: Uncertain significance for Inborn genetic diseases. Last evaluated: 2025-05-19. Review status: criteria provided, single submitter. Criteria: Ambry Variant Classification Scheme 2023. Collection method: clinical testing. Allele origin: germline.

NM_015072.5(TTLL5):c.331C>T (p.Arg111Cys)

Gene: TTLL5 (tubulin tyrosine ligase like 5; plus strand). Cytogenetic location: 14q24.3.
Variant type: single nucleotide variant.
Coding change: c.331C>T on transcript NM_015072.5 (MANE Select); coding-DNA position 331, C replaced by T.
Protein change: p.Arg111Cys; replaces arginine 111 with cysteine.
Molecular consequence: missense variant.
Genome position (GRCh38, 1-based): chr14:75,683,616, C>T. VCF-style: chr14-75683616-C-T. GRCh37 (hg19) VCF-style: chr14-76149959-C-T.
Other names: short protein forms R111C.
Identifiers: ClinVar variation 3975684 (VCV003975684.2).